The following is an entry in ClinVar:

ClinVar aggregate classification (germline): Uncertain significance (1 of 4 stars; one submission).

Allele frequency attached by ClinVar (database versions not stated): TOPMed 0.00001.

Submission:

GeneDx
Classification: Uncertain significance. Last evaluated: 2017-08-28. Review status: criteria provided, single submitter. Criteria: GeneDx Variant Classification (06012015). Collection method: clinical testing. Allele origin: germline. Affected: yes.
Comment: The D31G variant in the CASR gene has not been published as a pathogenic variant, nor has it been reported as a benign variant to our knowledge. The D31G variant was not observed in approximately 6,500 individuals of European and African American ancestry in the NHLBI Exome Sequencing Project, indicating it is not a common benign variant in these populations. The D31G variant is a non-conservative amino acid substitution, which is likely to impact secondary protein structure as these residues differ in polarity, charge, size and/or other properties. This substitution occurs at a position that is conserved across species, and in silico analysis predicts this variant is probably damaging to the protein structure/function. Missense variants in nearby residues (Q27R, K29E, I32V) have been reported in the Human Gene Mutation Database in association with CASR-related disorders (Stenson et al., 2014), supporting the functional importance of this region of the protein. Based on the currently available information, it is unclear whether this variant is a pathogenic variant or a rare benign variant. We consider it to be a variant of uncertain significance.

NM_000388.4(CASR):c.92A>G (p.Asp31Gly)

Gene: CASR (calcium sensing receptor; plus strand). Cytogenetic location: 3q21.1.
Variant type: single nucleotide variant.
Coding change: c.92A>G on transcript NM_000388.4 (MANE Select); coding-DNA position 92, A replaced by G.
Protein change: p.Asp31Gly; replaces aspartic acid 31 with glycine.
Molecular consequence: missense variant.
Genome position (GRCh38, 1-based): chr3:122,254,281, A>G. VCF-style: chr3-122254281-A-G. GRCh37 (hg19) VCF-style: chr3-121973128-A-G.
Other names: c.92A>G, p.Asp31Gly (NM_001178065.2); short protein forms D31G.
Identifiers: ClinVar variation 422666 (VCV000422666.2), dbSNP rs1064795924, ClinGen allele CA16617811.
Genomic context (GRCh38, chr3:122,254,281, plus strand): 5'-TGGCACTCACCTGGCACACCTCTGCCTACGGGCCAGACCAGCGAGCCCAAAAGAAGGGGG[A>G]CATTATCCTTGGGGGGCTCTTTCCTATTCATTTTGGAGTAGCAGCTAAAGATCAAGATCT-3'
Protein context (NP_000379.3, residues 21-41): GPDQRAQKKG[Asp31Gly]IILGGLFPIH